The following is an entry in ClinVar:

NM_005921.2(MAP3K1):c.3416C>T (p.Ser1139Phe)

Genes: MAP3K1 (mitogen-activated protein kinase kinase kinase 1; plus strand), LOC126807392 (CDK7 strongly-dependent group 2 enhancer GRCh37_chr5:56178189-56179388; plus strand). Cytogenetic location: 5q11.2.
Variant type: single nucleotide variant.
Coding change: c.3416C>T on transcript NM_005921.2 (MANE Select); coding-DNA position 3416, C replaced by T.
Protein change: p.Ser1139Phe; replaces serine 1139 with phenylalanine.
Molecular consequence: missense variant.
Genome position (GRCh38, 1-based): chr5:56,882,616, C>T. VCF-style: chr5-56882616-C-T. GRCh37 (hg19) VCF-style: chr5-56178443-C-T.
Other names: short protein forms S1139F.
Identifiers: ClinVar variation 2800691 (VCV002800691.3), dbSNP rs750141197, ClinGen allele CA3273164.

ClinVar aggregate classification (germline): Uncertain significance (1 of 4 stars; one submission).

Conditions:
46,XY sex reversal 6. Also called: 46,XY SEX REVERSAL, PARTIAL OR COMPLETE, MAP3K1-RELATED; 46,XY GONADAL DYSGENESIS, PARTIAL OR COMPLETE, MAP3K1-RELATED. Identifiers: MedGen C3151064, MONDO:0013410, OMIM 613762.

Allele frequency attached by ClinVar (database versions not stated): ExAC 0.00001; gnomAD exomes 0.00001.
gnomAD v4.1: 14 of 1,613,984 alleles (0.00087%); highest among the groups gnomAD compares: Non-Finnish European, 0.00085%; no homozygotes.

Submission:

Labcorp Genetics (formerly Invitae), Labcorp
Classification: Uncertain significance for 46,XY sex reversal 6. Last evaluated: 2023-06-23. Review status: criteria provided, single submitter. Criteria: Invitae Variant Classification Sherloc (09022015). Collection method: clinical testing. Allele origin: germline.
Comment: This variant is present in population databases (rs750141197, gnomAD 0.008%). This sequence change replaces serine, which is neutral and polar, with phenylalanine, which is neutral and non-polar, at codon 1139 of the MAP3K1 protein (p.Ser1139Phe). In summary, the available evidence is currently insufficient to determine the role of this variant in disease. Therefore, it has been classified as a Variant of Uncertain Significance. Advanced modeling of protein sequence and biophysical properties (such as structural, functional, and spatial information, amino acid conservation, physicochemical variation, residue mobility, and thermodynamic stability) performed at Invitae indicates that this missense variant is not expected to disrupt MAP3K1 protein function. This variant has not been reported in the literature in individuals affected with MAP3K1-related conditions.